The following is an entry in ClinVar:

NM_001845.6(COL4A1):c.3591C>T (p.Ala1197=)

Gene: COL4A1 (collagen type IV alpha 1 chain; minus strand). Cytogenetic location: 13q34.
Variant type: single nucleotide variant.
Coding change: c.3591C>T on transcript NM_001845.6 (MANE Select); coding-DNA position 3591, C replaced by T.
Protein change: p.Ala1197=; no amino-acid change (alanine 1197 retained).
Molecular consequence: synonymous variant.
Genome position (GRCh38, 1-based): chr13:110,170,698, G>A on the plus strand (C>T on the coding strand, the complement: COL4A1 is on the minus strand). VCF-style: chr13-110170698-G-A. GRCh37 (hg19) VCF-style: chr13-110823045-G-A.
Identifiers: ClinVar variation 285268 (VCV000285268.15), dbSNP rs768381482, ClinGen allele CA7047198.

ClinVar aggregate classification (germline): Conflicting classifications of pathogenicity. Review status: criteria provided, conflicting classifications (1 of 4 stars). 4 submissions from 4 submitters: Uncertain significance (1); Likely benign (3). Last evaluated 2026-06-01.

Allele frequency attached by ClinVar (database versions not stated): gnomAD exomes 0.00002 and 0.00003; gnomAD 0.00003; TOPMed 0.00005; ExAC 0.00002.
gnomAD v4.1: 44 of 1,614,072 alleles (0.0027%); highest among the groups gnomAD compares: Admixed American, 0.0083%; no homozygotes.

Submissions (4):

CeGaT Center for Human Genetics Tuebingen
Classification: Likely benign. Last evaluated: 2026-06-01. Review status: criteria provided, single submitter. Criteria: CeGaT Center For Human Genetics Tuebingen Variant Classification Criteria Version 2. Collection method: clinical testing. Allele origin: germline. Affected: yes. Observed: 1 variant allele.
Comment: COL4A1: BP4, BP7

Labcorp Genetics (formerly Invitae), Labcorp
Classification: Likely benign. Last evaluated: 2026-01-12. Review status: criteria provided, single submitter. Criteria: Invitae Variant Classification Sherloc (09022015). Collection method: clinical testing. Allele origin: germline.

Blueprint Genetics
Classification: Likely benign. Last evaluated: 2024-06-12. Review status: criteria provided, single submitter. Criteria: ACMG Guidelines, 2015. Collection method: clinical testing. Allele origin: germline.

Eurofins Ntd Llc (ga)
Classification: Uncertain significance. Last evaluated: 2016-01-27. Review status: criteria provided, single submitter. Criteria: EGL Classification Definitions 2015. Collection method: clinical testing. Allele origin: germline. Observed: 1 variant allele, 1 heterozygote.